The following is an entry in ClinVar:

NM_003647.3(DGKE):c.117G>C (p.Trp39Cys)

Gene: DGKE (diacylglycerol kinase epsilon; plus strand). Cytogenetic location: 17q22.
Variant type: single nucleotide variant.
Coding change: c.117G>C on transcript NM_003647.3 (MANE Select); coding-DNA position 117, G replaced by C.
Protein change: p.Trp39Cys; replaces tryptophan 39 with cysteine.
Molecular consequence: missense variant.
Genome position (GRCh38, 1-based): chr17:56,834,912, G>C. VCF-style: chr17-56834912-G-C. GRCh37 (hg19) VCF-style: chr17-54912273-G-C.
Other names: p.Trp39Cys; short protein forms W39C.
Identifiers: ClinVar variation 1336879 (VCV001336879.8), dbSNP rs201377251, ClinGen allele CA8663427.

ClinVar aggregate classification (germline): Uncertain significance. Review status: criteria provided, multiple submitters, no conflicts (2 of 4 stars). 5 submissions from 5 submitters: Uncertain significance (5). Last evaluated 2025-06-13.

Conditions:
Inborn genetic diseases. Identifiers: MedGen C0950123, MeSH D030342.

Allele frequency attached by ClinVar (database versions not stated): gnomAD 0.00004 and 0.00005; gnomAD exomes 0.00001; TOPMed 0.00003; 1000 Genomes Project 0.00020; ExAC 0.00001; 1000 Genomes Project 30x 0.00031.
gnomAD v4.1: 23 of 1,613,720 alleles (0.0014%); highest among the groups gnomAD compares: Admixed American, 0.038%; no homozygotes.

Submissions (5):

Mayo Clinic Laboratories, Mayo Clinic
Classification: Uncertain significance. Last evaluated: 2025-06-13. Review status: criteria provided, single submitter. Criteria: ACMG Guidelines, 2015. Collection method: clinical testing. Allele origin: germline. Observed: 1 variant allele.
Comment: PM2_supporting

GeneDx
Classification: Uncertain significance. Last evaluated: 2025-04-29. Review status: criteria provided, single submitter. Criteria: GeneDx Variant Classification Process June 2021. Collection method: clinical testing. Allele origin: germline. Affected: yes.
Comment: In silico analysis supports that this missense variant has a deleterious effect on protein structure/function; This variant is associated with the following publications: (PMID: 38741947)

Ambry Genetics
Classification: Uncertain significance for Inborn genetic diseases. Last evaluated: 2024-11-14. Review status: criteria provided, single submitter. Criteria: Ambry Variant Classification Scheme 2023. Collection method: clinical testing. Allele origin: germline.

Women's Health and Genetics/Laboratory Corporation of America, LabCorp
Classification: Uncertain significance. Last evaluated: 2023-10-20. Review status: criteria provided, single submitter. Criteria: LabCorp Variant Classification Summary - May 2015. Collection method: clinical testing. Allele origin: germline.
Comment: Variant summary: DGKE c.117G>C (p.Trp39Cys) results in a non-conservative amino acid change in the encoded protein sequence. Four of five in-silico tools predict a damaging effect of the variant on protein function. The variant allele was found at a frequency of 1.2e-05 in 250118 control chromosomes. The available data on variant occurrences in the general population are insufficient to allow any conclusion about variant significance. To our knowledge, no occurrence of c.117G>C in individuals affected with Nephrotic Syndrome, Type 7 and no experimental evidence demonstrating its impact on protein function have been reported. One submitter has cited clinical-significance assessments for this variant to ClinVar after 2014 and has classified the variant as uncertain significance. Based on the evidence outlined above, the variant was classified as uncertain significance.

Genetic Services Laboratory, University of Chicago
Classification: Uncertain significance. Last evaluated: 2019-12-13. Review status: criteria provided, single submitter. Criteria: ACMG Guidelines, 2015. Collection method: clinical testing. Allele origin: germline. Affected: no.
Comment: DNA sequence analysis of the DGKE gene demonstrated a sequence change, c.117G>C, in exon 2 that results in an amino acid change, p.Trp39Cys. This sequence change does not appear to have been previously described in patients with DGKE-related disorders and has been described in the gnomAD database in three individuals (dbSNP rs201377251). The p.Trp39Cys change affects a highly conserved amino acid residue located in a domain of the DGKE protein that is not known to be functional. The p.Trp39Cys substitution appears to be mostly deleterious using several in-silico pathogenicity prediction tools (SIFT, PolyPhen2, Align GVGD, REVEL).

Literature cited by the submitters: PubMed 38741947 (cited by Mayo Clinic Laboratories, Mayo Clinic).